The following is an entry in ClinVar:

NM_007294.4(BRCA1):c.5332+2T>G

Gene: BRCA1 (BRCA1 DNA repair associated; minus strand). Cytogenetic location: 17q21.31.
Variant type: single nucleotide variant.
Coding change: c.5332+2T>G on transcript NM_007294.4 (MANE Select); the canonical splice donor site of the intron after coding-DNA position 5332, T replaced by G.
Molecular consequence: splice donor variant. On other transcripts: intron variant (2).
Genome position (GRCh38, 1-based): chr17:43,051,061, A>C on the plus strand (T>G on the coding strand, the complement: BRCA1 is on the minus strand). VCF-style: chr17-43051061-A-C. GRCh37 (hg19) VCF-style: chr17-41203078-A-C.
Other names: c.1879+2T>G (NM_001408458.1, NM_001408461.1, NM_001408464.1 and 7 more transcripts); c.4441+2T>G (NM_001407967.1); c.4951+2T>G (NM_001407959.1); c.5065+2T>G (NM_001407931.1, NM_001407932.1, NM_001407928.1 and 4 more transcripts); c.5188+2T>G (NM_001407747.1, NM_001407745.1, NM_001407737.1 and 21 more transcripts); c.4948+2T>G (NM_001407962.1, NM_001407960.1); c.1519+2T>G (NM_001408512.1); c.1642+2T>G (NM_001408510.1); and 74 more.
Identifiers: ClinVar variation 182168 (VCV000182168.4), dbSNP rs80358182, ClinGen allele CA003488.

ClinVar aggregate classification (germline): Pathogenic (1 of 4 stars; one submission).

Submissions (2):

GeneDx
Classification: Pathogenic. Last evaluated: 2014-08-20. Review status: criteria provided, single submitter. Criteria: GeneDx Variant Classification (06012015). Collection method: clinical testing. Allele origin: germline. Affected: yes.
Comment: This pathogenic variant is denoted BRCA1 c.5332+2 T>G or IVS20+2 T>G and consists of a T>G nucleotide substitution at the +2 position of intron 20 of the BRCA1 gene. The variant destroys a canonical splice donor site and is predicted to cause abnormal gene splicing, leading to either an abnormal message that is subject to nonsense-mediated mRNA decay or to an abnormal protein product. This variant has not, to our knowledge, been published in the literature. Based on current evidence, we consider this variant to be pathogenic.

Brotman Baty Institute, University of Washington
No classification provided (evidence only). Condition: Breast-ovarian cancer, familial 1. Review status: no classification provided. Collection method: in vitro. Allele origin: not applicable. Functional consequence: functionally_abnormal. Not counted in ClinVar's aggregate classification.
ClinVar note: "not provided" was previously submitted as the classification for the variant. However, the classification appeared to be based only on an observation of functional data so it was converted to no classification on 2025-07-30.